The following is an entry in ClinVar:

ClinVar aggregate classification (germline): Uncertain significance (1 of 4 stars; one submission).

gnomAD v4.1: 6 of 1,614,172 alleles (0.00037%); highest among the groups gnomAD compares: Non-Finnish European, 0.00051%; no homozygotes.

Submission:

Labcorp Genetics (formerly Invitae), Labcorp
Classification: Uncertain significance. Last evaluated: 2024-05-18. Review status: criteria provided, single submitter. Criteria: Invitae Variant Classification Sherloc (09022015). Collection method: clinical testing. Allele origin: germline.
Comment: This sequence change replaces leucine, which is neutral and non-polar, with valine, which is neutral and non-polar, at codon 1693 of the MYH3 protein (p.Leu1693Val). This variant is not present in population databases (gnomAD no frequency). This variant has not been reported in the literature in individuals affected with MYH3-related conditions. Advanced modeling of protein sequence and biophysical properties (such as structural, functional, and spatial information, amino acid conservation, physicochemical variation, residue mobility, and thermodynamic stability) performed at Invitae indicates that this missense variant is not expected to disrupt MYH3 protein function with a negative predictive value of 95%. In summary, the available evidence is currently insufficient to determine the role of this variant in disease. Therefore, it has been classified as a Variant of Uncertain Significance.

NM_002470.4(MYH3):c.5077C>G (p.Leu1693Val)

Gene: MYH3 (myosin heavy chain 3; minus strand). Cytogenetic location: 17p13.1.
Variant type: single nucleotide variant.
Coding change: c.5077C>G on transcript NM_002470.4 (MANE Select); coding-DNA position 5077, C replaced by G.
Protein change: p.Leu1693Val; replaces leucine 1693 with valine.
Molecular consequence: missense variant.
Genome position (GRCh38, 1-based): chr17:10,631,896, G>C on the plus strand (C>G on the coding strand, the complement: MYH3 is on the minus strand). VCF-style: chr17-10631896-G-C. GRCh37 (hg19) VCF-style: chr17-10535213-G-C.
Other names: short protein forms L1693V.
Identifiers: ClinVar variation 3681019 (VCV003681019.2).
Genomic context (GRCh38, chr17:10,631,896, plus strand): 5'-TCTCGTTGGAGTCCAGGAGCTCCTGTTCCGCCAGTTTCCGGGCCCTCTCCGTCTGCTCCA[G>C]AGTAGCCCGCAGCTCCTCCACCTCGGCCTGCAGCAGGTTGGCTCTGCGCTCCACAATCGC-3'
Protein context (NP_002461.2, residues 1683-1703): QAEVEELRAT[Leu1693Val]EQTERARKLA